The following is an entry in ClinVar:

NM_002609.4(PDGFRB):c.2713C>A (p.Pro905Thr)

Gene: PDGFRB (platelet derived growth factor receptor beta; minus strand). Cytogenetic location: 5q32.
Variant type: single nucleotide variant.
Coding change: c.2713C>A on transcript NM_002609.4 (MANE Select); coding-DNA position 2713, C replaced by A.
Protein change: p.Pro905Thr; replaces proline 905 with threonine.
Molecular consequence: missense variant.
Genome position (GRCh38, 1-based): chr5:150,119,552, G>T on the plus strand (C>A on the coding strand, the complement: PDGFRB is on the minus strand). VCF-style: chr5-150119552-G-T. GRCh37 (hg19) VCF-style: chr5-149499115-G-T.
Other names: c.2521C>A, p.Pro841Thr (NM_001355016.2); c.2230C>A, p.Pro744Thr (NM_001355017.2); short protein forms P744T, P841T, P905T.
Identifiers: ClinVar variation 4086685 (VCV004086685.1).

ClinVar aggregate classification (germline): Uncertain significance (1 of 4 stars; one submission).

Submission:

GeneDx
Classification: Uncertain significance. Last evaluated: 2025-03-19. Review status: criteria provided, single submitter. Criteria: GeneDx Variant Classification Process June 2021. Collection method: clinical testing. Allele origin: germline. Affected: yes.
Comment: Not observed at significant frequency in large population cohorts (gnomAD); In silico analysis supports that this missense variant has a deleterious effect on protein structure/function; Has not been previously published as pathogenic or benign to our knowledge